The following is an entry in ClinVar:

NM_001399.5(EDA):c.163C>G (p.Leu55Val)

Gene: EDA (ectodysplasin A; plus strand). Cytogenetic location: Xq13.1.
Variant type: single nucleotide variant.
Coding change: c.163C>G on transcript NM_001399.5 (MANE Select); coding-DNA position 163, C replaced by G.
Protein change: p.Leu55Val; replaces leucine 55 with valine.
Molecular consequence: missense variant.
Genome position (GRCh38, 1-based): chrX:69,616,471, C>G. VCF-style: chrX-69616471-C-G. GRCh37 (hg19) VCF-style: chrX-68836315-C-G.
Other names: c.163C>G, p.Leu55Val (NM_001005609.2, NM_001005610.4, NM_001005612.3 and 1 more transcripts); short protein forms L55V.
Identifiers: ClinVar variation 1465794 (VCV001465794.8), dbSNP rs1602221926, ClinGen allele CA413447206.

ClinVar aggregate classification (germline): Likely pathogenic (1 of 4 stars; one submission).

Conditions:
Hypohidrotic X-linked ectodermal dysplasia (XHED). Also called: ECTODERMAL DYSPLASIA, HYPOHIDROTIC, 1; CST SYNDROME; Christ-Siemans-Touraine syndrome; Anhidrotic ectodermal dysplasia X-linked; Christ Siemens Touraine syndrome; ECTODERMAL DYSPLASIA 1. Identifiers: Orphanet 181, Orphanet 238468, MedGen C0162359, MONDO:0010585, OMIM 305100.

Submission:

Labcorp Genetics (formerly Invitae), Labcorp
Classification: Likely pathogenic for Hypohidrotic X-linked ectodermal dysplasia. Last evaluated: 2020-11-21. Review status: criteria provided, single submitter. Criteria: Invitae Variant Classification Sherloc (09022015). Collection method: clinical testing. Allele origin: germline.
Comment: Advanced modeling of protein sequence and biophysical properties (such as structural, functional, and spatial information, amino acid conservation, physicochemical variation, residue mobility, and thermodynamic stability) performed at Invitae indicates that this missense variant is expected to disrupt EDA protein function. This variant has not been reported in the literature in individuals with EDA-related conditions. This variant is not present in population databases (ExAC no frequency). This sequence change replaces leucine with valine at codon 55 of the EDA protein (p.Leu55Val). The leucine residue is moderately conserved and there is a small physicochemical difference between leucine and valine. This variant disrupts the p.Leu55 amino acid residue in EDA. Other variant(s) that disrupt this residue have been observed in individuals with EDA-related conditions (PMID: 23687000, 10469321, 31796081), which suggests that this may be a clinically significant amino acid residue. In summary, the currently available evidence indicates that the variant is pathogenic, but additional data are needed to prove that conclusively. Therefore, this variant has been classified as Likely Pathogenic.

Literature cited by the submitters: PubMed 23687000; PubMed 10469321; PubMed 31796081.